The following continues an entry in ClinVar:

NM_000535.7(PMS2):c.595C>T (p.Arg199Cys)

Gene: PMS2. ClinVar aggregate classification (germline): Conflicting classifications of pathogenicity. Uncertain significance (14); Likely benign (2).

Submissions 10 to 18 of 18:

Color Diagnostics, LLC DBA Color Health
Classification: Uncertain significance for Hereditary cancer-predisposing syndrome. Last evaluated: 2024-05-29. Review status: criteria provided, single submitter. Criteria: ACMG Guidelines, 2015. Collection method: clinical testing. Allele origin: germline.
Comment: This missense variant replaces arginine with cysteine at codon 199 of the PMS2 protein. Computational prediction suggests that this variant may have deleterious impact on protein structure and function (internally defined REVEL score threshold >= 0.7, PMID: 27666373). To our knowledge, functional studies have not been reported for this variant. This variant has been reported in an individual affected with Lynch syndrome-associated cancer and/or polyps (PMID: 25980754) and in individuals affected with breast cancer (PMID: 25186627, 33471991). This variant has been identified in 9/282888 chromosomes in the general population by the Genome Aggregation Database (gnomAD). The available evidence is insufficient to determine the role of this variant in disease conclusively. Therefore, this variant is classified as a Variant of Uncertain Significance.

Quest Diagnostics Nichols Institute San Juan Capistrano
Classification: Uncertain significance. Last evaluated: 2024-03-14. Review status: criteria provided, single submitter. Criteria: Quest Diagnostics criteria. Collection method: clinical testing. Allele origin: unknown.
Comment: The PMS2 c.595C>T (p.Arg199Cys) variant has been reported in the published literature in individuals with breast cancer (PMIDs: 25186627 (2015), 33471991 (2021), see also LOVD), and suspected Lynch syndrome (PMID: 25980754 (2015)). This variant was also observed in reportedly healthy individuals (PMID: 36243179 (2022)).The frequency of this variant in the general population, 0.00016 (5/30616 chromosomes (Genome Aggregation Database)), is uninformative in the assessment of its pathogenicity. Analysis of this variant using bioinformatics tools for the prediction of the effect of amino acid changes on protein structure and function yielded conflicting predictions that this variant is benign or damaging. Based on the available information, we are unable to determine the clinical significance of this variant.

Myriad Genetics, Inc.
Classification: Uncertain significance for Lynch syndrome 4. Last evaluated: 2023-04-04. Review status: criteria provided, single submitter. Criteria: Myriad Autosomal Dominant, Autosomal Recessive and X-Linked Classification Criteria (2023). Collection method: clinical testing. Allele origin: unknown.
Comment: This variant is classified as a variant of uncertain significance as there is insufficient evidence to determine its impact on protein function and/or cancer risk.

St. Jude Molecular Pathology, St. Jude Children's Research Hospital
Classification: Uncertain significance for Lynch syndrome 4. Last evaluated: 2022-09-01. Review status: criteria provided, single submitter. Criteria: St. Jude Assertion Criteria 2020. Collection method: clinical testing. Allele origin: germline.
Comment: The PMS2 c.595C>T (p.Arg199Cys) missense change has a maximum subpopulation frequency of 0.016% in gnomAD v2.1.1 including 1 homozygote. The in silico tool REVEL predicts a deleterious effect on protein function, but to our knowledge this prediction has not been confirmed by functional studies. This variant has been reported in at least one individual with Lynch syndrome-associated cancer and/or polyps (PMID: 25980754). In summary, the evidence currently available is insufficient to determine the clinical significance of this variant. It has therefore been classified as of uncertain significance.

Sema4
Classification: Uncertain significance for Hereditary cancer-predisposing syndrome. Last evaluated: 2021-12-29. Review status: criteria provided, single submitter. Criteria: Sema4 Curation Guidelines. Collection method: curation. Allele origin: germline.
Comment: To the best of our knowledge, the PMS2 c.595C>T ( p.R199C) variant has not been reported in individuals with PMS2-related disease. It has been reported in a large case-control study of breast cancer in 3/60466 cases and 0/53461 controls (PMID: 33471991). This variant was observed in 9/282888 chromosomes across all populations, with no homozygotes, in the large and broad cohorts of the Genome Aggregation Database (PMID: 32461654). This variant has been reported in ClinVar (Variation ID: 187514). In silico tools suggest the impact of the variant on protein function is deleterious, though these predictions have not been confirmed by functional studies. The evidence is insufficient to meet ACMG/AMP criteria for classifying the variant as benign or pathogenic. Thus, the clinical significance of this variant is currently uncertain.

University of Washington Department of Laboratory Medicine, University of Washington
Classification: Uncertain significance for Lynch syndrome. Last evaluated: 2018-05-01. Review status: criteria provided, single submitter. Criteria: Shirts BH et al. (Am J Hum Genet 2018). Collection method: clinical testing. Allele origin: somatic. Affected: yes.
Comment: PMS2 NM_000535.5:c.595C>T has a 14.1% probability of pathogenicity based on combining prior probability from public data with a likelihood ratio of 0.16 to 1, generated from evidence of seeing this as a somatic mutation in a tumor with loss of heterozygosity at the PMS2 locus. See Shirts et al 2018, PMID 29887214.

CeGaT Center for Human Genetics Tuebingen
Classification: Uncertain significance. Last evaluated: 2017-03-01. Review status: criteria provided, single submitter. Criteria: CeGaT Center For Human Genetics Tuebingen Variant Classification Criteria Version 2. Collection method: clinical testing. Allele origin: germline. Affected: yes. Observed: 1 variant allele.

True Health Diagnostics
Classification: Uncertain significance for Hereditary cancer-predisposing syndrome. Last evaluated: 2018-07-31. Review status: no assertion criteria provided. Collection method: clinical testing. Allele origin: germline. Not counted in ClinVar's aggregate classification.

Counsyl
Classification: Uncertain significance for Lynch syndrome 4. Last evaluated: 2016-03-02. Review status: no assertion criteria provided. Collection method: clinical testing. Allele origin: unknown. Not counted in ClinVar's aggregate classification.

Literature cited by the submitters: PubMed 25980754 (cited by 6 submitters); PubMed 25186627 (cited by 7 submitters); PubMed 36243179 (cited by 3 submitters); PubMed 37854294 (cited by Women's Health and Genetics/Laboratory Corporation of America, LabCorp); PubMed 33471991 (cited by 5 submitters); PubMed 29570743 (cited by Quest Diagnostics Nichols Institute San Juan Capistrano); PubMed 29887214 (cited by Quest Diagnostics Nichols Institute San Juan Capistrano); PubMed 30787465 (cited by Quest Diagnostics Nichols Institute San Juan Capistrano); PubMed 31874108 (cited by Quest Diagnostics Nichols Institute San Juan Capistrano); PubMed 32459922 (cited by Quest Diagnostics Nichols Institute San Juan Capistrano).